The following is an entry in ClinVar:

NM_002335.4(LRP5):c.2972T>C (p.Ile991Thr)

Gene: LRP5 (LDL receptor related protein 5; plus strand). Cytogenetic location: 11q13.2.
Variant type: single nucleotide variant.
Coding change: c.2972T>C on transcript NM_002335.4 (MANE Select); coding-DNA position 2972, T replaced by C.
Protein change: p.Ile991Thr; replaces isoleucine 991 with threonine.
Molecular consequence: missense variant.
Genome position (GRCh38, 1-based): chr11:68,416,472, T>C. VCF-style: chr11-68416472-T-C. GRCh37 (hg19) VCF-style: chr11-68183940-T-C.
Other names: c.1229T>C, p.Ile410Thr (NM_001291902.2); c.2972T>C (NM_002335.2); short protein forms I410T, I991T.
Identifiers: ClinVar variation 1439660 (VCV001439660.8), dbSNP rs1565094883, ClinGen allele CA381619937.

ClinVar aggregate classification (germline): Uncertain significance. Review status: criteria provided, multiple submitters, no conflicts (2 of 4 stars). 2 submissions from 2 submitters: Uncertain significance (2). Last evaluated 2023-01-19.

Allele frequency attached by ClinVar (database versions not stated): gnomAD exomes below 0.00001.
gnomAD v4.1: 3 of 1,614,038 alleles (0.00019%); highest among the groups gnomAD compares: Non-Finnish European, 0.00025%; no homozygotes.

Submissions (2):

GeneDx
Classification: Uncertain significance. Last evaluated: 2023-01-19. Review status: criteria provided, single submitter. Criteria: GeneDx Variant Classification Process June 2021. Collection method: clinical testing. Allele origin: germline. Affected: yes.
Comment: Not observed at significant frequency in large population cohorts (gnomAD); In silico analysis supports that this missense variant has a deleterious effect on protein structure/function; Has not been previously published as pathogenic or benign to our knowledge

Labcorp Genetics (formerly Invitae), Labcorp
Classification: Uncertain significance. Last evaluated: 2021-05-19. Review status: criteria provided, single submitter. Criteria: Invitae Variant Classification Sherloc (09022015). Collection method: clinical testing. Allele origin: germline.
Comment: In summary, the available evidence is currently insufficient to determine the role of this variant in disease. Therefore, it has been classified as a Variant of Uncertain Significance. Algorithms developed to predict the effect of missense changes on protein structure and function are either unavailable or do not agree on the potential impact of this missense change (SIFT: "Deleterious"; PolyPhen-2: "Benign"; Align-GVGD: "Class C65"). This variant has not been reported in the literature in individuals with LRP5-related conditions. This variant is not present in population databases (ExAC no frequency). This sequence change replaces isoleucine with threonine at codon 991 of the LRP5 protein (p.Ile991Thr). The isoleucine residue is highly conserved and there is a moderate physicochemical difference between isoleucine and threonine.